The following is an entry in ClinVar:

NM_012398.3(PIP5K1C):c.952A>G (p.Ser318Gly)

Gene: PIP5K1C (phosphatidylinositol-4-phosphate 5-kinase type 1 gamma; minus strand). Cytogenetic location: 19p13.3.
Variant type: single nucleotide variant.
Coding change: c.952A>G on transcript NM_012398.3 (MANE Select); coding-DNA position 952, A replaced by G.
Protein change: p.Ser318Gly; replaces serine 318 with glycine.
Molecular consequence: missense variant.
Genome position (GRCh38, 1-based): chr19:3,652,001, T>C on the plus strand (A>G on the coding strand, the complement: PIP5K1C is on the minus strand). VCF-style: chr19-3652001-T-C. GRCh37 (hg19) VCF-style: chr19-3651999-T-C.
Other names: c.952A>G, p.Ser318Gly (NM_001195733.2, NM_001300849.2); short protein forms S318G.
Identifiers: ClinVar variation 4685380 (VCV004685380.1).

ClinVar aggregate classification (germline): Uncertain significance (1 of 4 stars; one submission).

Submission:

GeneDx
Classification: Uncertain significance. Last evaluated: 2025-07-08. Review status: criteria provided, single submitter. Criteria: GeneDx Variant Classification Process June 2021. Collection method: clinical testing. Allele origin: germline. Affected: yes.
Comment: Not observed at significant frequency in large population cohorts (gnomAD); In silico analysis supports that this missense variant has a deleterious effect on protein structure/function; Has not been previously published as pathogenic or benign to our knowledge